The following is an entry in ClinVar:

NM_139057.4(ADAMTS17):c.2712C>A (p.Tyr904Ter)

Gene: ADAMTS17 (ADAM metallopeptidase with thrombospondin type 1 motif 17; minus strand). Cytogenetic location: 15q26.3.
Variant type: single nucleotide variant.
Coding change: c.2712C>A on transcript NM_139057.4 (MANE Select); coding-DNA position 2712, C replaced by A.
Protein change: p.Tyr904Ter; replaces tyrosine 904 with a stop codon.
Molecular consequence: nonsense.
Genome position (GRCh38, 1-based): chr15:99,997,469, G>T on the plus strand (C>A on the coding strand, the complement: ADAMTS17 is on the minus strand). VCF-style: chr15-99997469-G-T. GRCh37 (hg19) VCF-style: chr15-100537674-G-T.
Other names: short protein forms Y904*.
Identifiers: ClinVar variation 2159984 (VCV002159984.4), dbSNP rs1485036096, ClinGen allele CA393694169.
Genomic context (GRCh38, chr15:99,997,469, plus strand): 5'-GATGGACAGGCAGTCCTGGCCTTCACAGCTCTGCACTGCCGCCGGCCGGGGGCCCGGGCA[G>T]TAGAGGGGCCGCGTAGCGACGTGTGTGCCGTTCTGCAGCTGGTACACGCAGGTCACCTCC-3'

ClinVar aggregate classification (germline): Pathogenic (1 of 4 stars; one submission).

Submission:

Labcorp Genetics (formerly Invitae), Labcorp
Classification: Pathogenic. Last evaluated: 2025-06-15. Review status: criteria provided, single submitter. Criteria: Invitae Variant Classification Sherloc (09022015). Collection method: clinical testing. Allele origin: germline.
Comment: This sequence change creates a premature translational stop signal (p.Tyr904*) in the ADAMTS17 gene. It is expected to result in an absent or disrupted protein product. Loss-of-function variants in ADAMTS17 are known to be pathogenic (PMID: 19836009, 24940034). This variant is not present in population databases (gnomAD no frequency). This variant has not been reported in the literature in individuals affected with ADAMTS17-related conditions. ClinVar contains an entry for this variant (Variation ID: 2159984). For these reasons, this variant has been classified as Pathogenic.

Literature cited by the submitters: PubMed 19836009; PubMed 24940034.